The following is an entry in ClinVar:

ClinVar aggregate classification (germline): Pathogenic (1 of 4 stars; one submission).

Submission:

Labcorp Genetics (formerly Invitae), Labcorp
Classification: Pathogenic. Last evaluated: 2022-11-07. Review status: criteria provided, single submitter. Criteria: Invitae Variant Classification Sherloc (09022015). Collection method: clinical testing. Allele origin: unknown.
Comment: For these reasons, this variant has been classified as Pathogenic. This variant has not been reported in the literature in individuals affected with SPTB-related conditions. This variant is a gross deletion of the genomic region encompassing exon(s) 1 of the SPTB gene, which includes the initiator codon. This deletion extends beyond the assayed region for this gene and therefore may encompass additional genes. It is expected to result in an absent or disrupted protein product. Loss-of-function variants in SPTB are known to be pathogenic (PMID: 1391962, 1498324, 8844207, 26830532, 27292444).

Literature cited by the submitters: PubMed 1391962; PubMed 1498324; PubMed 8844207; PubMed 26830532; PubMed 27292444.

NC_000014.8:g.(?_65289645)_(65289812_?)del

Gene: SPTB (spectrin beta, erythrocytic; minus strand). Cytogenetic location: 14q23.3.
Variant type: Deletion.
Identifiers: ClinVar variation 3244055 (VCV003244055.1).